The following is an entry in ClinVar:

NM_001145809.2(MYH14):c.1843G>T (p.Ala615Ser)

Gene: MYH14 (myosin heavy chain 14; plus strand). Cytogenetic location: 19q13.33.
Variant type: single nucleotide variant.
Coding change: c.1843G>T on transcript NM_001145809.2 (MANE Select); coding-DNA position 1843, G replaced by T.
Protein change: p.Ala615Ser; replaces alanine 615 with serine.
Molecular consequence: missense variant.
Genome position (GRCh38, 1-based): chr19:50,252,651, G>T. VCF-style: chr19-50252651-G-T. GRCh37 (hg19) VCF-style: chr19-50755908-G-T.
Other names: c.1843G>T, p.Ala615Ser (NM_001077186.2); c.1819G>T, p.Ala607Ser (NM_024729.4); short protein forms A615S, A607S.
Identifiers: ClinVar variation 893888 (VCV000893888.8), dbSNP rs1322815305, ClinGen allele CA406961242.
Genomic context (GRCh38, chr19:50,252,651, plus strand): 5'-ATGTCTGAGCCTGCAAGTCATCGCCCTCCTCTACCTGACTTCATTCAGGTCGACTACAAG[G>T]CCAACGAGTGGCTGATGAAAAACATGGACCCTCTGAATGACAACGTCGCAGCCTTGCTCC-3'
Protein context (NP_001139281.1, residues 605-625): LHYAGKVDYK[Ala615Ser]NEWLMKNMDP

ClinVar aggregate classification (germline): Uncertain significance. Review status: criteria provided, multiple submitters, no conflicts (2 of 4 stars). 3 submissions from 3 submitters: Uncertain significance (3). Last evaluated 2025-01-07.

Conditions:
Inborn genetic diseases. Identifiers: MedGen C0950123, MeSH D030342.
Autosomal dominant nonsyndromic hearing loss 4A. Also called: Deafness, autosomal dominant 4A. Identifiers: Orphanet 90635, MedGen C1833503, MONDO:0010915, OMIM 600652.

gnomAD v4.1: 11 of 1,591,470 alleles (0.00069%); highest among the groups gnomAD compares: East Asian, 0.025%; no homozygotes.

Submissions (3):

Ambry Genetics
Classification: Uncertain significance for Inborn genetic diseases. Last evaluated: 2025-01-07. Review status: criteria provided, single submitter. Criteria: Ambry Variant Classification Scheme 2023. Collection method: clinical testing. Allele origin: germline.

Labcorp Genetics (formerly Invitae), Labcorp
Classification: Uncertain significance. Last evaluated: 2023-11-28. Review status: criteria provided, single submitter. Criteria: Invitae Variant Classification Sherloc (09022015). Collection method: clinical testing. Allele origin: germline.
Comment: This sequence change replaces alanine, which is neutral and non-polar, with serine, which is neutral and polar, at codon 607 of the MYH14 protein (p.Ala607Ser). This variant is not present in population databases (gnomAD no frequency). This variant has not been reported in the literature in individuals affected with MYH14-related conditions. ClinVar contains an entry for this variant (Variation ID: 893888). Advanced modeling of protein sequence and biophysical properties (such as structural, functional, and spatial information, amino acid conservation, physicochemical variation, residue mobility, and thermodynamic stability) performed at Invitae indicates that this missense variant is not expected to disrupt MYH14 protein function with a negative predictive value of 80%. In summary, the available evidence is currently insufficient to determine the role of this variant in disease. Therefore, it has been classified as a Variant of Uncertain Significance.

Illumina Laboratory Services, Illumina
Classification: Uncertain significance for Autosomal dominant nonsyndromic hearing loss 4A. Last evaluated: 2018-01-13. Review status: criteria provided, single submitter. Criteria: ICSL Variant Classification Criteria 13 December 2019. Collection method: clinical testing. Allele origin: germline.